The following is an entry in ClinVar:

NM_052947.4(ALPK2):c.1566A>G (p.Gly522=)

Gene: ALPK2 (alpha kinase 2; minus strand). Cytogenetic location: 18q21.31.
Variant type: single nucleotide variant.
Coding change: c.1566A>G on transcript NM_052947.4 (MANE Select); coding-DNA position 1566, A replaced by G.
Protein change: p.Gly522=; no amino-acid change (glycine 522 retained).
Molecular consequence: synonymous variant.
Genome position (GRCh38, 1-based): chr18:58,579,210, T>C on the plus strand (A>G on the coding strand, the complement: ALPK2 is on the minus strand). VCF-style: chr18-58579210-T-C. GRCh37 (hg19) VCF-style: chr18-56246442-T-C.
Identifiers: ClinVar variation 3060944 (VCV003060944.2), dbSNP rs12606191, ClinGen allele CA8977223.
Genomic context (GRCh38, chr18:58,579,210, plus strand): 5'-CATTCCCGGCTGCCTCACCCTGGCAGATTTCCTTGAACCCCTCTTGCTCCATAAGTCCTT[T>C]CCCCCCACTCTCTTGTCAGCTGCCGTCTCCCAACACTGGCTCATCCCTGAGTTTTCTGAC-3'
Protein context (NP_443179.3, residues 512-532): WETAADKRVG[Gly522=]KDLWSKRGSR

ClinVar aggregate classification (germline): Benign (0 of 4 stars; one submission).

Conditions:
ALPK2-related disorder. Also called: ALPK2-related condition.

Allele frequency attached by ClinVar (database versions not stated): ESP Exome Variant Server 0.29586; TOPMed 0.30883; gnomAD 0.31122; gnomAD exomes 0.35436; 1000 Genomes Project 30x 0.36836; ExAC 0.37100; 1000 Genomes Project 0.37340.
gnomAD v4.1: 566,071 of 1,613,782 alleles (35%); highest among the groups gnomAD compares: East Asian, 58%; 103,204 homozygotes.

Submission:

PreventionGenetics, part of Exact Sciences
Classification: Benign for ALPK2-related condition. Last evaluated: 2019-10-17. Review status: no assertion criteria provided. Collection method: clinical testing. Allele origin: germline.
Comment: This variant is classified as benign based on ACMG/AMP sequence variant interpretation guidelines (Richards et al. 2015 PMID: 25741868, with internal and published modifications).